The following is an entry in ClinVar:

ClinVar aggregate classification (germline): Likely benign. Review status: criteria provided, multiple submitters, no conflicts (2 of 4 stars). 3 submissions from 3 submitters: Likely benign (2). 1 of the submissions does not count toward it. Last evaluated 2025-05-02.

Conditions:
CEBPA-related disorder. Also called: CEBPA-related condition.
Inborn genetic diseases. Identifiers: MedGen C0950123, MeSH D030342.
Acute myeloid leukemia (AML). Also called: Leukemia, acute myeloid, somatic; Leukemia, acute myelogenous, somatic; Acute myeloid leukemia, adult; AML adult; Acute non-lymphocytic leukemia; Acute granulocytic leukemia. Identifiers: Orphanet 519, MedGen C0023467, MeSH D015470, MONDO:0018874, OMIM 601626, HP:0004808. Disease mechanism: Constitutively activated FLT3.

Allele frequency attached by ClinVar (database versions not stated): ExAC 0.00002; gnomAD 0.00004 and 0.00005; gnomAD exomes 0.00004; TOPMed 0.00008.

Submissions (3):

Labcorp Genetics (formerly Invitae), Labcorp
Classification: Likely benign for Acute myeloid leukemia. Last evaluated: 2025-05-02. Review status: criteria provided, single submitter. Criteria: Invitae Variant Classification Sherloc (09022015). Collection method: clinical testing. Allele origin: germline.

Ambry Genetics
Classification: Likely benign for Inborn genetic diseases. Last evaluated: 2024-08-21. Review status: criteria provided, single submitter. Criteria: Ambry Variant Classification Scheme 2023. Collection method: clinical testing. Allele origin: germline.

PreventionGenetics, part of Exact Sciences
Classification: Likely benign for CEBPA-related condition. Last evaluated: 2020-08-31. Review status: no assertion criteria provided. Collection method: clinical testing. Allele origin: germline. Not counted in ClinVar's aggregate classification.
Comment: This variant is classified as likely benign based on ACMG/AMP sequence variant interpretation guidelines (Richards et al. 2015 PMID: 25741868, with internal and published modifications).

NM_004364.5(CEBPA):c.888G>A (p.Val296=)

Gene: CEBPA (CCAAT enhancer binding protein alpha; minus strand). Cytogenetic location: 19q13.11.
Variant type: single nucleotide variant.
Coding change: c.888G>A on transcript NM_004364.5 (MANE Select); coding-DNA position 888, G replaced by A.
Protein change: p.Val296=; no amino-acid change (valine 296 retained).
Molecular consequence: synonymous variant.
Genome position (GRCh38, 1-based): chr19:33,301,527, C>T on the plus strand (G>A on the coding strand, the complement: CEBPA is on the minus strand). VCF-style: chr19-33301527-C-T. GRCh37 (hg19) VCF-style: chr19-33792433-C-T.
Other names: c.888G>A (NM_004364.3); c.531G>A, p.Val177= (NM_001285829.2); c.993G>A, p.Val331= (NM_001287424.2); c.846G>A, p.Val282= (NM_001287435.2).
Identifiers: ClinVar variation 526822 (VCV000526822.15), dbSNP rs772999335, ClinGen allele CA9363677.
Genomic context (GRCh38, chr19:33,301,527, plus strand): 5'-CTCCAGCACCTTCTGCTGCGTCTCCACGTTGCGCTGCTTGGCCTTGTCGCGGCTCTTGCG[C>T]ACCGCGATGTTGTTGCGCTCGCGCCGCACCCGGTACTCGTTGCTGTTCTTGTCCACCGAC-3'
Protein context (NP_004355.2, residues 286-306): RVRRERNNIA[Val296=]RKSRDKAKQR